The following is an entry in ClinVar:

NM_016239.4(MYO15A):c.8549G>A (p.Arg2850Gln)

Gene: MYO15A (myosin XVA; plus strand). Cytogenetic location: 17p11.2.
Variant type: single nucleotide variant.
Coding change: c.8549G>A on transcript NM_016239.4 (MANE Select); coding-DNA position 8549, G replaced by A.
Protein change: p.Arg2850Gln; replaces arginine 2850 with glutamine.
Molecular consequence: missense variant.
Genome position (GRCh38, 1-based): chr17:18,156,284, G>A. VCF-style: chr17-18156284-G-A. GRCh37 (hg19) VCF-style: chr17-18059598-G-A.
Other names: short protein forms R2850Q.
Identifiers: ClinVar variation 4990744 (VCV004990744.1).

ClinVar aggregate classification (germline): Uncertain significance (1 of 4 stars; one submission).

Conditions:
MYO15A-related disorder. Also called: MYO15A-related condition.

gnomAD v4.1: 23 of 1,614,128 alleles (0.0014%); highest among the groups gnomAD compares: Non-Finnish European, 0.0017%; no homozygotes.

Submission:

PreventionGenetics, part of Exact Sciences
Classification: Uncertain significance for MYO15A-related condition. Last evaluated: 2026-04-27. Review status: criteria provided, single submitter. Criteria: ACMG Guidelines, 2015. Collection method: clinical testing. Allele origin: germline.
Comment: The MYO15A c.8549G>A variant is predicted to result in the amino acid substitution p.Arg2850Gln. To our knowledge, this variant has not been reported in the literature. This variant is reported in 0.0016% of alleles in individuals of European (Non-Finnish) descent in gnomAD. At this time, the clinical significance of this variant is uncertain due to the absence of conclusive functional and genetic evidence.